The following is an entry in ClinVar:

NM_001142800.2(EYS):c.5333_5334dup (p.Gly1779fs)

Gene: EYS (EGF-like photoreceptor maintenance factor; minus strand). Cytogenetic location: 6q12.
Variant type: Duplication.
Coding change: c.5333_5334dup on transcript NM_001142800.2 (MANE Select); coding-DNA positions 5333 to 5334, 2 bases duplicated (CA; older notation c.5333_5334dupCA).
Protein change: p.Gly1779fs; shifts the reading frame from glycine 1779.
Molecular consequence: frameshift variant.
Genome position (GRCh38, 1-based): chr6:64,590,533-64,590,534, TG duplicated on the plus strand (CA on the coding strand, the reverse complement: EYS is on the minus strand); duplicating any 2 consecutive bases within chr6:64,590,533-64,590,535 gives the same sequence; the c. name uses the placement nearest the transcript's 3' end. VCF-style (leftmost placement, unchanged base first): chr6-64590532-C-CTG. GRCh37 (hg19) VCF-style: chr6-65300425-C-CTG.
Other names: c.5333_5334dup, p.Gly1779fs (NM_001292009.2); short protein forms G1779fs.
Identifiers: ClinVar variation 4892582 (VCV004892582.2).
Genomic context (GRCh38, chr6:64,590,532, plus strand): 5'-TTGCTGAAACTGTATAAAATGCAACATTGGTGGTGACTTCTGAAAAATCAGGCACTGAGC[C>CTG]TGTCAATGGTGGCAGATTATTTTTGAAGTCATTTGCATGTGTAATTTCTGAATATGTCTT-3'

ClinVar aggregate classification (germline): Pathogenic/Likely pathogenic. Review status: criteria provided, multiple submitters, no conflicts (2 of 4 stars). 2 submissions from 2 submitters: Pathogenic (1); Likely pathogenic (1). Last evaluated 2026-08-14.

Conditions:
EYS-related disorder. Also called: EYS-related condition.
Retinitis pigmentosa 25 (RP25). Identifiers: Orphanet 791, MedGen C1864446, MONDO:0011272, OMIM 602772.

Submissions (2):

Myriad Genetics, Inc.
Classification: Pathogenic for Retinitis pigmentosa 25. Last evaluated: 2026-08-14. Review status: criteria provided, single submitter. Criteria: Myriad Autosomal Dominant, Autosomal Recessive and X-Linked Classification Criteria (2023). Collection method: clinical testing. Allele origin: unknown.
Comment: NM_001142800.1(EYS):c.5333_5334dupCA(G1779Qfs*35) is a frameshift variant classified as pathogenic in the context of retinitis pigmentosa, EYS-related. G1779Qfs*35 has not been observed in cases with relevant disease. Relevant functional assessments of this variant are not available in the literature. G1779Qfs*35 has not been observed in referenced population frequency databases. In summary, NM_001142800.1(EYS):c.5333_5334dupCA(G1779Qfs*35) is a frameshift variant in a gene where loss of function is a known mechanism of disease and is predicted to disrupt protein function. Please note: this variant was assessed in the context of healthy population screening.

Blueprint Genetics
Classification: Likely pathogenic for EYS-related disorders. Last evaluated: 2022-03-29. Review status: criteria provided, single submitter. Criteria: ACMG Guidelines, 2015. Collection method: clinical testing. Allele origin: germline. Affected: yes. Observed: 1 variant allele.